The following is an entry in ClinVar:

NM_013275.6(ANKRD11):c.3407A>C (p.Lys1136Thr)

Gene: ANKRD11 (ankyrin repeat domain 11; minus strand). Cytogenetic location: 16q24.3.
Variant type: single nucleotide variant.
Coding change: c.3407A>C on transcript NM_013275.6 (MANE Select); coding-DNA position 3407, A replaced by C.
Protein change: p.Lys1136Thr; replaces lysine 1136 with threonine.
Molecular consequence: missense variant.
Genome position (GRCh38, 1-based): chr16:89,283,135, T>G on the plus strand (A>C on the coding strand, the complement: ANKRD11 is on the minus strand). VCF-style: chr16-89283135-T-G. GRCh37 (hg19) VCF-style: chr16-89349543-T-G.
Other names: c.3407A>C, p.Lys1136Thr (NM_001256182.2, NM_001256183.2); c.3407A>C (NM_013275.5); short protein forms K1136T.
Identifiers: ClinVar variation 916232 (VCV000916232.42), dbSNP rs777249243, ClinGen allele CA8242372.

ClinVar aggregate classification (germline): Likely benign. Review status: criteria provided, multiple submitters, no conflicts (2 of 4 stars). 3 submissions from 3 submitters: Likely benign (2). 1 of the submissions does not count toward it. Last evaluated 2024-11-21.

Conditions:
ANKRD11-related disorder. Also called: ANKRD11-related condition.

Allele frequency attached by ClinVar (database versions not stated): gnomAD 0.00003; gnomAD exomes 0.00003 and 0.00004; TOPMed 0.00003; ExAC 0.00005.
gnomAD v4.1: 57 of 1,613,908 alleles (0.0035%); highest among the groups gnomAD compares: Middle Eastern, 0.016%; no homozygotes.

Submissions (3):

Blueprint Genetics
Classification: Likely benign. Last evaluated: 2024-11-21. Review status: criteria provided, single submitter. Criteria: ACMG Guidelines, 2015. Collection method: clinical testing. Allele origin: germline.

CeGaT Center for Human Genetics Tuebingen
Classification: Likely benign. Last evaluated: 2020-02-01. Review status: criteria provided, single submitter. Criteria: CeGaT Center For Human Genetics Tuebingen Variant Classification Criteria Version 2. Collection method: clinical testing. Allele origin: germline. Affected: yes. Observed: 1 variant allele.

PreventionGenetics, part of Exact Sciences
Classification: Likely benign for ANKRD11-related condition. Last evaluated: 2023-12-31. Review status: no assertion criteria provided. Collection method: clinical testing. Allele origin: germline. Not counted in ClinVar's aggregate classification.
Comment: This variant is classified as likely benign based on ACMG/AMP sequence variant interpretation guidelines (Richards et al. 2015 PMID: 25741868, with internal and published modifications).